The following is an entry in ClinVar:

ClinVar aggregate classification (germline): Uncertain significance. Review status: criteria provided, multiple submitters, no conflicts (2 of 4 stars). 2 submissions from 2 submitters: Uncertain significance (2). Last evaluated 2025-11-01.

Conditions:
Polyglandular autoimmune syndrome, type 1 (APS1). Also called: AUTOIMMUNE POLYENDOCRINE SYNDROME, TYPE I, WITH OR WITHOUT REVERSIBLE METAPHYSEAL DYSPLASIA; APS I; HYPOADRENOCORTICISM WITH HYPOPARATHYROIDISM AND SUPERFICIAL MONILIASIS; PGA I; Autoimmune polyendocrine syndrome type 1; Autoimmune polyendocrinopathy syndrome, type I. Identifiers: Orphanet 3453, MedGen C0085859, MONDO:0009411, OMIM 240300.
Inborn genetic diseases. Identifiers: MedGen C0950123, MeSH D030342.

Submissions (2):

Labcorp Genetics (formerly Invitae), Labcorp
Classification: Uncertain significance for Polyglandular autoimmune syndrome, type 1. Last evaluated: 2025-11-01. Review status: criteria provided, single submitter. Criteria: Invitae Variant Classification Sherloc (09022015). Collection method: clinical testing. Allele origin: germline.
Comment: This sequence change replaces aspartic acid, which is acidic and polar, with glutamic acid, which is acidic and polar, at codon 442 of the AIRE protein (p.Asp442Glu). This variant is present in population databases (rs750033525, gnomAD 0.002%). This variant has not been reported in the literature in individuals affected with AIRE-related conditions. ClinVar contains an entry for this variant (Variation ID: 3513152). Invitae Evidence Modeling of protein sequence and biophysical properties (such as structural, functional, and spatial information, amino acid conservation, physicochemical variation, residue mobility, and thermodynamic stability) indicates that this missense variant is not expected to disrupt AIRE protein function with a negative predictive value of 95%. In summary, the available evidence is currently insufficient to determine the role of this variant in disease. Therefore, it has been classified as a Variant of Uncertain Significance.

Ambry Genetics
Classification: Uncertain significance for Inborn genetic diseases. Last evaluated: 2024-08-05. Review status: criteria provided, single submitter. Criteria: Ambry Variant Classification Scheme 2023. Collection method: clinical testing. Allele origin: germline.

NM_000383.4(AIRE):c.1326C>G (p.Asp442Glu)

Gene: AIRE (autoimmune regulator; plus strand). Cytogenetic location: 21q22.3.
Variant type: single nucleotide variant.
Coding change: c.1326C>G on transcript NM_000383.4 (MANE Select); coding-DNA position 1326, C replaced by G.
Protein change: p.Asp442Glu; replaces aspartic acid 442 with glutamic acid.
Molecular consequence: missense variant.
Genome position (GRCh38, 1-based): chr21:44,293,836, C>G. VCF-style: chr21-44293836-C-G. GRCh37 (hg19) VCF-style: chr21-45713719-C-G.
Other names: short protein forms D442E.
Identifiers: ClinVar variation 3513152 (VCV003513152.2).